The following is an entry in ClinVar:

NM_000384.3(APOB):c.8511G>A (p.Thr2837=)

Gene: APOB (apolipoprotein B; minus strand). Cytogenetic location: 2p24.1.
Variant type: single nucleotide variant.
Coding change: c.8511G>A on transcript NM_000384.3 (MANE Select); coding-DNA position 8511, G replaced by A.
Protein change: p.Thr2837=; no amino-acid change (threonine 2837 retained).
Molecular consequence: synonymous variant.
Genome position (GRCh38, 1-based): chr2:21,008,357, C>T on the plus strand (G>A on the coding strand, the complement: APOB is on the minus strand). VCF-style: chr2-21008357-C-T. GRCh37 (hg19) VCF-style: chr2-21231229-C-T.
Identifiers: ClinVar variation 924109 (VCV000924109.17), dbSNP rs771196833, ClinGen allele CA065762.

ClinVar aggregate classification (germline): Likely benign. Review status: criteria provided, multiple submitters, no conflicts (2 of 4 stars). 4 submissions from 4 submitters: Likely benign (4). Last evaluated 2025-09-05.

Conditions:
Familial hypercholesterolemia. Also called: Familial hypercholesterolemias; Familial hypercholesterolaemia. Identifiers: MedGen C0020445, MONDO:0005439.
Cardiovascular phenotype. Identifiers: MedGen CN230736.
Familial hypobetalipoproteinemia 1. Also called: Hypobetalipoproteinemia, normotriglyceridemic; Acanthocytosis with hypobetalipoproteinemia; APOB-Related Familial Hypobetalipoproteinemia. Identifiers: MedGen C4551990, MONDO:0014252, OMIM 615558.
Hypercholesterolemia, autosomal dominant, type B (FHCL2). Also called: Familial Hypercholesterolemia Type B; HYPERCHOLESTEROLEMIA, FAMILIAL, DUE TO LIGAND-DEFECTIVE APOLIPOPROTEIN B; Familial hypercholesterolemia 2; APOB-Related Familial Hypercholesterolemia, Autosomal Dominant; APOLIPOPROTEIN B-100, FAMILIAL DEFECTIVE; APOLIPOPROTEIN B-100, FAMILIAL LIGAND-DEFECTIVE. Identifiers: MedGen C1704417, MONDO:0007751, OMIM 144010.

Allele frequency attached by ClinVar (database versions not stated): gnomAD 0.00001 and 0.00002; ExAC 0.00002; TOPMed 0.00002; gnomAD exomes 0.00003 and 0.00006.
gnomAD v4.1: 93 of 1,613,852 alleles (0.0058%); highest among the groups gnomAD compares: Non-Finnish European, 0.0074%; no homozygotes.

Submissions (4):

Labcorp Genetics (formerly Invitae), Labcorp
Classification: Likely benign for Familial hypobetalipoproteinemia 1; Hypercholesterolemia, autosomal dominant, type B. Last evaluated: 2025-09-05. Review status: criteria provided, single submitter. Criteria: Invitae Variant Classification Sherloc (09022015). Collection method: clinical testing. Allele origin: germline.

GENinCode PLC
Classification: Likely benign for Familial hypercholesterolemia. Last evaluated: 2023-12-18. Review status: criteria provided, single submitter. Criteria: ACMG Guidelines, 2015. Collection method: clinical testing. Allele origin: germline.
Comment: This is a synonymous (silent) variant that is not predicted by SpliceAI to impact splicing. In addition, it occurs at a nucleotide that is not conserved. Therefore this variant has been classified as Likely Benign (BP4, BP7).

Ambry Genetics
Classification: Likely benign for Cardiovascular phenotype. Last evaluated: 2017-01-10. Review status: criteria provided, single submitter. Criteria: Ambry Variant Classification Scheme 2023. Collection method: clinical testing. Allele origin: germline.

Breakthrough Genomics
Classification: Likely benign. Review status: criteria provided, single submitter. Criteria: ACMG Guidelines, 2015. Collection method: not provided. Allele origin: germline. Inheritance: Autosomal recessive inheritance. Affected: yes.